The following is an entry in ClinVar:

NM_198253.3(TERT):c.2908A>T (p.Met970Leu)

Gene: TERT (telomerase reverse transcriptase; minus strand). Cytogenetic location: 5p15.33.
Variant type: single nucleotide variant.
Coding change: c.2908A>T on transcript NM_198253.3 (MANE Select); coding-DNA position 2908, A replaced by T.
Protein change: p.Met970Leu; replaces methionine 970 with leucine.
Molecular consequence: missense variant. On other transcripts: non-coding transcript variant (2).
Genome position (GRCh38, 1-based): chr5:1,260,536, T>A on the plus strand (A>T on the coding strand, the complement: TERT is on the minus strand). VCF-style: chr5-1260536-T-A. GRCh37 (hg19) VCF-style: chr5-1260651-T-A.
Other names: c.2719A>T, p.Met907Leu (NM_001193376.3); short protein forms M907L, M970L.
Identifiers: ClinVar variation 839790 (VCV000839790.10), dbSNP rs762647113, ClinGen allele CA359070005.

ClinVar aggregate classification (germline): Uncertain significance (1 of 4 stars; one submission).

Conditions:
Dyskeratosis congenita, autosomal dominant 2. Identifiers: MedGen C3151443, MONDO:0013521, OMIM 613989.
Idiopathic Pulmonary Fibrosis. Also called: Idiopathic fibrosing alveolitis, chronic form; idiopathic fibrosing alveolitis. Identifiers: Orphanet 2032, MedGen C1800706, MeSH D054990, MONDO:0800504.

Submission:

Labcorp Genetics (formerly Invitae), Labcorp
Classification: Uncertain significance for Dyskeratosis congenita, autosomal dominant 2; Idiopathic Pulmonary Fibrosis. Last evaluated: 2019-01-23. Review status: criteria provided, single submitter. Criteria: Invitae Variant Classification Sherloc (09022015). Collection method: clinical testing. Allele origin: germline.
Comment: In summary, the available evidence is currently insufficient to determine the role of this variant in disease. Therefore, it has been classified as a Variant of Uncertain Significance. Algorithms developed to predict the effect of missense changes on protein structure and function output the following: SIFT: "Tolerated"; PolyPhen-2: "Benign"; Align-GVGD: "Class C0". The leucine amino acid residue is found in multiple mammalian species, suggesting that this missense change does not adversely affect protein function. These predictions have not been confirmed by published functional studies and their clinical significance is uncertain. This variant has not been reported in the literature in individuals with TERT-related conditions. This variant is not present in population databases (ExAC no frequency). This sequence change replaces methionine with leucine at codon 970 of the TERT protein (p.Met970Leu). The methionine residue is highly conserved and there is a small physicochemical difference between methionine and leucine.